The following is an entry in ClinVar:

ClinVar aggregate classification (germline): Uncertain significance (1 of 4 stars; one submission).

Allele frequency attached by ClinVar (database versions not stated): gnomAD exomes 0.00001; TOPMed 0.00001; ExAC 0.00002; gnomAD 0.00002; ESP Exome Variant Server 0.00008.
gnomAD v4.1: 17 of 1,613,776 alleles (0.0011%); highest among the groups gnomAD compares: African/African-American, 0.0027%; no homozygotes.

Submission:

Labcorp Genetics (formerly Invitae), Labcorp
Classification: Uncertain significance. Last evaluated: 2023-11-01. Review status: criteria provided, single submitter. Criteria: Invitae Variant Classification Sherloc (09022015). Collection method: clinical testing. Allele origin: germline.
Comment: This sequence change replaces threonine, which is neutral and polar, with alanine, which is neutral and non-polar, at codon 40 of the NSMCE2 protein (p.Thr40Ala). This variant is present in population databases (rs374996419, gnomAD 0.002%). This variant has not been reported in the literature in individuals affected with NSMCE2-related conditions. ClinVar contains an entry for this variant (Variation ID: 1354933). Algorithms developed to predict the effect of missense changes on protein structure and function output the following: SIFT: "Not Available"; PolyPhen-2: "Benign"; Align-GVGD: "Not Available". The alanine amino acid residue is found in multiple mammalian species, which suggests that this missense change does not adversely affect protein function. In summary, the available evidence is currently insufficient to determine the role of this variant in disease. Therefore, it has been classified as a Variant of Uncertain Significance.

NM_173685.4(NSMCE2):c.118A>G (p.Thr40Ala)

Gene: NSMCE2 (NSE2 SUMO ligase component of SMC5/6 complex; plus strand). Cytogenetic location: 8q24.13.
Variant type: single nucleotide variant.
Coding change: c.118A>G on transcript NM_173685.4 (MANE Select); coding-DNA position 118, A replaced by G.
Protein change: p.Thr40Ala; replaces threonine 40 with alanine.
Molecular consequence: missense variant. On other transcripts: non-coding transcript variant (2).
Genome position (GRCh38, 1-based): chr8:125,102,448, A>G. VCF-style: chr8-125102448-A-G. GRCh37 (hg19) VCF-style: chr8-126114690-A-G.
Other names: c.118A>G, p.Thr40Ala (NM_001349485.2, NM_001349486.2, NM_001349487.2); short protein forms T40A.
Identifiers: ClinVar variation 1354933 (VCV001354933.8), dbSNP rs374996419, ClinGen allele CA4874280.
Genomic context (GRCh38, chr8:125,102,448, plus strand): 5'-GTAGAGTCTGCTCTCTCCTCCTTGAAAAACTTCCAAGCCTGTATCAACTCTGGTATGGAC[A>G]CAGCTTCTAGTGTTGCTTTGGATCTTGTGGAAAGTCAGAGTAAGTAAAATTAAAACCTCT-3'
Protein context (NP_775956.1, residues 30-50): FQACINSGMD[Thr40Ala]ASSVALDLVE